The following is an entry in ClinVar:

ClinVar aggregate classification (germline): Benign. Review status: criteria provided, multiple submitters, no conflicts (2 of 4 stars). 2 submissions from 2 submitters: Benign (2). Last evaluated 2026-02-03.

Allele frequency attached by ClinVar (database versions not stated): gnomAD exomes 0.04380 and 0.07986; ESP Exome Variant Server 0.05828; gnomAD 0.06562 and 0.06874; TOPMed 0.07907; ExAC 0.08064; 1000 Genomes Project 0.11581; 1000 Genomes Project 30x 0.11649.
gnomAD v4.1: 73,425 of 1,579,224 alleles (4.6%); highest among the groups gnomAD compares: Admixed American, 16%; 3,391 homozygotes.

Submissions (2):

Labcorp Genetics (formerly Invitae), Labcorp
Classification: Benign. Last evaluated: 2026-02-03. Review status: criteria provided, single submitter. Criteria: Invitae Variant Classification Sherloc (09022015). Collection method: clinical testing. Allele origin: germline.

GeneDx
Classification: Benign. Last evaluated: 2016-02-10. Review status: criteria provided, single submitter. Criteria: GeneDx Variant Classification (06012015). Collection method: clinical testing. Allele origin: germline. Affected: yes.
Comment: This variant is considered likely benign or benign based on one or more of the following criteria: it is a conservative change, it occurs at a poorly conserved position in the protein, it is predicted to be benign by multiple in silico algorithms, and/or has population frequency not consistent with disease.

NM_018341.3(ERMARD):c.1233+10A>G

Gene: ERMARD (ER membrane associated RNA degradation; plus strand). Cytogenetic location: 6q27.
Variant type: single nucleotide variant.
Coding change: c.1233+10A>G on transcript NM_018341.3 (MANE Select); 10 bases into the intron after coding-DNA position 1233, A replaced by G.
Molecular consequence: intron variant.
Genome position (GRCh38, 1-based): chr6:169,769,723, A>G. VCF-style: chr6-169769723-A-G. GRCh37 (hg19) VCF-style: chr6-170169819-A-G.
Other names: c.1233+10A>G (NM_001278531.2, NM_001278533.2); c.855+10A>G (NM_001278532.2).
Identifiers: ClinVar variation 380787 (VCV000380787.9), dbSNP rs17860640, ClinGen allele CA4106155.
Genomic context (GRCh38, chr6:169,769,723, plus strand): 5'-CTTGTACTGCTACTCAGATTCGTTGATGACTGTCTGCTATCAGTTTTTAAGGTAATTTAT[A>G]GGGAAGAAAATCATTAATTAGATTAACTCATTCAGCTATGAAAATATAGTTTATTTTTCA-3'